The following is an entry in ClinVar:

NM_001754.5(RUNX1):c.946G>A (p.Glu316Lys)

Gene: RUNX1 (RUNX family transcription factor 1; minus strand). Cytogenetic location: 21q22.12.
Variant type: single nucleotide variant.
Coding change: c.946G>A on transcript NM_001754.5 (MANE Select); coding-DNA position 946, G replaced by A.
Protein change: p.Glu316Lys; replaces glutamic acid 316 with lysine.
Molecular consequence: missense variant.
Genome position (GRCh38, 1-based): chr21:34,799,322, C>T on the plus strand (G>A on the coding strand, the complement: RUNX1 is on the minus strand). VCF-style: chr21-34799322-C-T. GRCh37 (hg19) VCF-style: chr21-36171619-C-T.
Other names: NM_001754.5(RUNX1):c.946G>A; p.Glu316Lys; c.865G>A, p.Glu289Lys (NM_001001890.3); short protein forms E316K, E289K.
Identifiers: ClinVar variation 1506422 (VCV001506422.9), dbSNP rs762642960, ClinGen allele CA410149605.
Genomic context (GRCh38, chr21:34,799,322, plus strand): 5'-CCAGCTCAGCTGCAAAGAATGTGTTTTCAAGTGGCTTACTTGAGAGTCGACTGGAAAGTT[C>T]TGCAGAGAGGGTTGTCATGCCGCTGGCACGTCCAGGTGAAATGGGCGTTGCTGGGTGCAC-3'
Protein context (NP_001745.2, residues 306-326): RASGMTTLSA[Glu316Lys]LSSRLSTAPD

ClinVar aggregate classification (germline): Uncertain significance. Review status: reviewed by expert panel (3 of 4 stars). 2 submissions from 2 submitters: Uncertain significance (1). 1 of the submissions does not count toward it. Last evaluated 2024-09-18.

Conditions:
Hereditary thrombocytopenia and hematologic cancer predisposition syndrome. Identifiers: Orphanet 71290, MedGen CN281654, MONDO:0011071.
Hereditary thrombocytopenia and hematological cancer predisposition syndrome associated with RUNX1. Also called: RUNX1 Familial Platelet Disorder with Associated Myeloid Malignancies; Familial Platelet Disorder with Propensity to Acute Myelogenous Leukemia; Familial thrombocytopenia with propensity to acute myelogenous leukemia; PLATELET DISORDER, ASPIRIN-LIKE. Identifiers: Orphanet 71290, MedGen C1832388, MeSH C563324, MONDO:0100083, OMIM 601399.

Submissions (2):

ClinGen Myeloid Malignancy Variant Curation Expert Panel
Classification: Uncertain significance for Hereditary thrombocytopenia and hematologic cancer predisposition syndrome. Last evaluated: 2024-09-18. Review status: reviewed by expert panel. Criteria: ClinGen MyeloMalig ACMG Specifications v2. Collection method: curation. Allele origin: germline. Inheritance: Autosomal dominant inheritance.
Comment: NM_001754.5(RUNX1):c.946G>A (p.Glu316Lys) is a missense variant predicted to cause substitution of glutamic acid by lysine at amino acid 316 (p.Glu316Lys). This variant is absent from gnomAD v2, v3, and v4 (PM2_supporting), and the germline variant has not been reported in cases or in the literature. The computational predictor REVEL gives a score of 0.094, which is below the threshold of 0.50, and the splice site predictor SpliceAI indicates that the variant has no impact on splicing, evidence that does not predict a damaging effect on RUNX1 function (BP4). In summary, this variant meets the criteria to be classified as a VUS for autosomal dominant hereditary thrombocytopenia and hematologic cancer predisposition syndrome based on the ACMG/AMP criteria applied, as specified by the ClinGen Myeloid Malignancy VCEP: PM2_supporting and BP4.

Labcorp Genetics (formerly Invitae), Labcorp
Classification: Uncertain significance for Hereditary thrombocytopenia and hematological cancer predisposition syndrome associated with RUNX1. Last evaluated: 2023-11-17. Review status: criteria provided, single submitter. Criteria: Invitae Variant Classification Sherloc (09022015). Collection method: clinical testing. Allele origin: germline. Not counted in ClinVar's aggregate classification.
Comment: This sequence change replaces glutamic acid, which is acidic and polar, with lysine, which is basic and polar, at codon 316 of the RUNX1 protein (p.Glu316Lys). This variant is not present in population databases (gnomAD no frequency). This variant has not been reported in the literature in individuals affected with RUNX1-related conditions. ClinVar contains an entry for this variant (Variation ID: 1506422). Advanced modeling of protein sequence and biophysical properties (such as structural, functional, and spatial information, amino acid conservation, physicochemical variation, residue mobility, and thermodynamic stability) performed at Invitae indicates that this missense variant is not expected to disrupt RUNX1 protein function with a negative predictive value of 80%. In summary, the available evidence is currently insufficient to determine the role of this variant in disease. Therefore, it has been classified as a Variant of Uncertain Significance.